The following is an entry in ClinVar:

NM_004168.4(SDHA):c.1794+3G>C

Gene: SDHA (succinate dehydrogenase complex flavoprotein subunit A; plus strand). Cytogenetic location: 5p15.33.
Variant type: single nucleotide variant.
Coding change: c.1794+3G>C on transcript NM_004168.4 (MANE Select); 3 bases into the intron after coding-DNA position 1794, G replaced by C.
Molecular consequence: intron variant.
Genome position (GRCh38, 1-based): chr5:251,471, G>C. VCF-style: chr5-251471-G-C. GRCh37 (hg19) VCF-style: chr5-251586-G-C.
Other names: c.1552-2922G>C (NM_001330758.2); c.1650+3G>C (NM_001294332.2).
Identifiers: ClinVar variation 229686 (VCV000229686.21), dbSNP rs375883981, ClinGen allele CA3173360.

ClinVar aggregate classification (germline): Conflicting classifications of pathogenicity. Review status: criteria provided, conflicting classifications (1 of 4 stars). 6 submissions from 6 submitters: Uncertain significance (3); Likely benign (3). Last evaluated 2025-12-02.

Conditions:
SDHA-related disorder. Also called: SDHA-related condition; SDHA-related disorders.
Hereditary cancer-predisposing syndrome. Also called: Neoplastic Syndromes, Hereditary; Tumor predisposition; Hereditary Cancer Syndrome; Hereditary neoplastic syndrome. Identifiers: Orphanet 140162, MedGen C0027672, MeSH D009386, MONDO:0015356.
Pheochromocytoma/paraganglioma syndrome 5. Also called: Paragangliomas 5; SDHA-Related Hereditary Paraganglioma-Pheochromocytoma Syndrome. Identifiers: Orphanet 29072, MedGen C3279992, MONDO:0013602, OMIM 614165.
Mitochondrial complex II deficiency, nuclear type 1. Also called: SUCCINATE CoQ REDUCTASE DEFICIENCY. Identifiers: Orphanet 3208, MedGen C5700310, MONDO:0100294, OMIM 252011.

Allele frequency attached by ClinVar (database versions not stated): gnomAD exomes 0.00002; gnomAD 0.00003.
gnomAD v4.1: 35 of 1,613,818 alleles (0.0022%); highest among the groups gnomAD compares: Admixed American, 0.022%; no homozygotes.

Submissions (6):

Labcorp Genetics (formerly Invitae), Labcorp
Classification: Likely benign for Pheochromocytoma/paraganglioma syndrome 5; Mitochondrial complex II deficiency, nuclear type 1. Last evaluated: 2025-12-02. Review status: criteria provided, single submitter. Criteria: Invitae Variant Classification Sherloc (09022015). Collection method: clinical testing. Allele origin: germline.

PreventionGenetics, part of Exact Sciences
Classification: Likely benign for SDHA-related condition. Last evaluated: 2025-03-14. Review status: criteria provided, single submitter. Criteria: ACMG Guidelines, 2015. Collection method: clinical testing. Allele origin: germline.
Comment: This variant is classified as likely benign based on ACMG/AMP sequence variant interpretation guidelines (Richards et al. 2015 PMID: 25741868, with internal and published modifications).

Quest Diagnostics Nichols Institute San Juan Capistrano
Classification: Uncertain significance. Last evaluated: 2023-02-08. Review status: criteria provided, single submitter. Criteria: Quest Diagnostics criteria. Collection method: clinical testing. Allele origin: unknown.
Comment: The frequency of this variant in the general population, 0.00025 (9/35396 chromosomes in Latino/Admixed American subpopulation), is higher than would generally be expected for pathogenic variants in this gene. Analysis of this variant using software algorithms for the prediction of the effect of nucleotide changes on splicing yielded predictions that this variant may affect proper SDHA mRNA splicing . Based on the available information, we are unable to determine the clinical significance of this variant.

Ambry Genetics
Classification: Likely benign for Hereditary cancer-predisposing syndrome. Last evaluated: 2022-10-06. Review status: criteria provided, single submitter. Criteria: Ambry Variant Classification Scheme 2023. Collection method: clinical testing. Allele origin: germline.

Revvity Omics, Revvity
Classification: Uncertain significance. Last evaluated: 2021-05-12. Review status: criteria provided, single submitter. Criteria: ACMG Guidelines, 2015. Collection method: clinical testing. Allele origin: germline.

GeneDx
Classification: Uncertain significance. Last evaluated: 2019-08-05. Review status: criteria provided, single submitter. Criteria: GeneDx Variant Classification Process June 2021. Collection method: clinical testing. Allele origin: germline. Affected: yes.
Comment: In-silico analysis, which includes splice predictors and evolutionary conservation, is inconclusive as to whether the variant alters gene splicing. In the absence of RNA/functional studies, the actual effect of this sequence change is unknown.; Has not been previously published as pathogenic or benign to our knowledge

Literature cited by the submitters: PubMed 17576681 (cited by Quest Diagnostics Nichols Institute San Juan Capistrano); PubMed 9536098 (cited by Quest Diagnostics Nichols Institute San Juan Capistrano).